The following is an entry in ClinVar:

ClinVar aggregate classification (germline): Pathogenic (1 of 4 stars; one submission).

Submission:

Labcorp Genetics (formerly Invitae), Labcorp
Classification: Pathogenic. Last evaluated: 2023-08-08. Review status: criteria provided, single submitter. Criteria: Invitae Variant Classification Sherloc (09022015). Collection method: clinical testing. Allele origin: unknown.
Comment: For these reasons, this variant has been classified as Pathogenic. Experimental studies have shown that a similar copy number variant affects SMARCB1 function (PMID: 12226744). Algorithms developed to predict the effect of variants on protein structure and function are not available or were not evaluated for this variant. A similar copy number variant has been observed in individual(s) with rhabdoid tumor and/or schwanommas (PMID: 24123847, 29779243). It has also been observed to segregate with disease in related individuals. This variant is a gross deletion of the genomic region encompassing exon(s) 8-9 of the SMARCB1 gene, which includes the termination codon. This deletion extends beyond the assayed region for this gene and therefore may encompass additional genes. While this deletion is not anticipated to lead to nonsense mediated decay, it is expected to alter mRNA translation or result in a truncated protein product.

Literature cited by the submitters: PubMed 12226744; PubMed 24123847; PubMed 29779243.

NC_000022.10:g.(?_24175749)_(24176449_?)del

Gene: SMARCB1 (SWI/SNF related BAF chromatin remodeling complex subunit B1; plus strand). Cytogenetic location: 22q11.23.
Variant type: Deletion.
Identifiers: ClinVar variation 3248103 (VCV003248103.1).